The following is an entry in ClinVar:

NM_007294.4(BRCA1):c.1071del (p.Lys357fs)

Gene: BRCA1 (BRCA1 DNA repair associated; minus strand). Cytogenetic location: 17q21.31.
Variant type: Deletion.
Coding change: c.1071del on transcript NM_007294.4 (MANE Select); coding-DNA position 1071, one base deleted (A; older notation c.1071delA).
Protein change: p.Lys357fs; shifts the reading frame from lysine 357.
Molecular consequence: frameshift variant. On other transcripts: intron variant (137).
Genome position (GRCh38, 1-based): chr17:43,094,460, T deleted on the plus strand (A on the coding strand, the reverse complement: BRCA1 is on the minus strand); the first of 3 consecutive T bases (chr17:43,094,460-43,094,462); deleting any one gives the same sequence. VCF-style (leftmost placement, unchanged base first): chr17-43094459-GT-G. GRCh37 (hg19) VCF-style: chr17-41246476-GT-G.
Other names: c.927del, p.Lys309fs (NM_001407741.1, NM_001407742.1, NM_001407743.1 and 20 more transcripts); c.738del, p.Lys246fs (NM_001407953.1, NM_001407957.1, NM_001407946.1 and 6 more transcripts); c.735del, p.Lys245fs (NM_001407954.1, NM_001407955.1, NM_001407956.1 and 1 more transcripts); c.690del, p.Lys230fs (NM_001407959.1, NM_001407960.1, NM_001407963.1); c.687del, p.Lys229fs (NM_001407962.1); c.567del, p.Lys189fs (NM_001407965.1); c.183del, p.Lys61fs (NM_001407966.1, NM_001407967.1); c.930del, p.Lys310fs (NM_007297.4, NM_001407692.1, NM_001407694.1 and 29 more transcripts); and 41 more; short protein forms K230fs, K269fs, K287fs, K290fs, K315fs, K189fs, K309fs, K310fs.
Identifiers: ClinVar variation 2746628 (VCV002746628.4), dbSNP rs2053998620, ClinGen allele CA2697554274.

ClinVar aggregate classification (germline): Pathogenic. Review status: criteria provided, multiple submitters, no conflicts (2 of 4 stars). 2 submissions from 2 submitters: Pathogenic (2). Last evaluated 2024-10-24.

Conditions:
Hereditary cancer-predisposing syndrome. Also called: Hereditary Cancer Syndrome; Neoplastic Syndromes, Hereditary; Tumor predisposition; Hereditary neoplastic syndrome. Identifiers: Orphanet 140162, MedGen C0027672, MeSH D009386, MONDO:0015356.
Hereditary breast ovarian cancer syndrome. Also called: BRCA1- and BRCA2-Associated Hereditary Breast and Ovarian Cancer; Breast and ovarian cancer; Hereditary breast and/or ovarian cancer syndrome; Hereditary breast and ovarian cancer; Hereditary breast and ovarian cancer syndrome (HBOC); Hereditary breast and ovarian cancer syndrome. Identifiers: Orphanet 145, MedGen C0677776, MeSH D061325, MONDO:0003582. Disease mechanism: loss of function.

Submissions (2):

Ambry Genetics
Classification: Pathogenic for Hereditary cancer-predisposing syndrome. Last evaluated: 2024-10-24. Review status: criteria provided, single submitter. Criteria: Ambry Variant Classification Scheme 2023. Collection method: clinical testing. Allele origin: germline.
Comment: The c.1071delA pathogenic mutation, located in coding exon 9 of the BRCA1 gene, results from a deletion of one nucleotide at nucleotide position 1071, causing a translational frameshift with a predicted alternate stop codon (p.K357Nfs*17). This variant is considered to be rare based on population cohorts in the Genome Aggregation Database (gnomAD). This alteration is expected to result in loss of function by premature protein truncation or nonsense-mediated mRNA decay. As such, this alteration is interpreted as a disease-causing mutation.

Labcorp Genetics (formerly Invitae), Labcorp
Classification: Pathogenic for Hereditary breast ovarian cancer syndrome. Last evaluated: 2023-07-25. Review status: criteria provided, single submitter. Criteria: Invitae Variant Classification Sherloc (09022015). Collection method: clinical testing. Allele origin: germline.
Comment: For these reasons, this variant has been classified as Pathogenic. This variant has not been reported in the literature in individuals affected with BRCA1-related conditions. This variant is not present in population databases (gnomAD no frequency). This sequence change creates a premature translational stop signal (p.Lys357Asnfs*17) in the BRCA1 gene. It is expected to result in an absent or disrupted protein product. Loss-of-function variants in BRCA1 are known to be pathogenic (PMID: 20104584).

Literature cited by the submitters: PubMed 20104584 (cited by Labcorp Genetics (formerly Invitae), Labcorp).